The following is an entry in ClinVar:

ClinVar aggregate classification (germline): Benign/Likely benign. Review status: criteria provided, multiple submitters, no conflicts (2 of 4 stars). 8 submissions from 8 submitters: Benign (4); Likely benign (3). 1 of the submissions does not count toward it. Last evaluated 2026-02-04.

Conditions:
Inborn genetic diseases. Identifiers: MedGen C0950123, MeSH D030342.
Cohen syndrome (COH1). Also called: Cutis verticis gyrata, retinitis pigmentosa, and sensorineural deafness; PEPPER SYNDROME. Identifiers: Orphanet 193, MedGen C0265223, MONDO:0008999, OMIM 216550.

Allele frequency attached by ClinVar (database versions not stated): gnomAD exomes 0.00067 and 0.00172; ExAC 0.00384; 1000 Genomes Project 0.00579; 1000 Genomes Project 30x 0.00687; gnomAD 0.00740 and 0.00801; ESP Exome Variant Server 0.00817; TOPMed 0.00839.
gnomAD v4.1: 2,132 of 1,597,528 alleles (0.13%); highest among the groups gnomAD compares: African/African-American, 2.6%; 17 homozygotes.

Submissions (8):

Labcorp Genetics (formerly Invitae), Labcorp
Classification: Benign for Cohen syndrome. Last evaluated: 2026-02-04. Review status: criteria provided, single submitter. Criteria: Invitae Variant Classification Sherloc (09022015). Collection method: clinical testing. Allele origin: germline.

Women's Health and Genetics/Laboratory Corporation of America, LabCorp
Classification: Likely benign. Last evaluated: 2026-01-22. Review status: criteria provided, single submitter. Criteria: LabCorp Variant Classification Summary - May 2015. Collection method: clinical testing. Allele origin: germline.

Blueprint Genetics
Classification: Likely benign. Last evaluated: 2024-07-18. Review status: criteria provided, single submitter. Criteria: ACMG Guidelines, 2015. Collection method: clinical testing. Allele origin: germline.

Mayo Clinic Laboratories, Mayo Clinic
Classification: Benign. Last evaluated: 2024-05-17. Review status: criteria provided, single submitter. Criteria: ACMG Guidelines, 2015. Collection method: clinical testing. Allele origin: germline. Observed: 9 variant alleles.
Comment: BS1, BS2, BP4, BP7

Illumina Laboratory Services, Illumina
Classification: Benign for Cohen syndrome. Last evaluated: 2018-01-13. Review status: criteria provided, single submitter. Criteria: ICSL Variant Classification Criteria 13 December 2019. Collection method: clinical testing. Allele origin: germline.
Comment: This variant was observed in the ICSL laboratory as part of a predisposition screen in an ostensibly healthy population. It had not been previously curated by ICSL or reported in the Human Gene Mutation Database (HGMD: prior to June 1st, 2018), and was therefore a candidate for classification through an automated scoring system. Utilizing variant allele frequency, disease prevalence and penetrance estimates, and inheritance mode, an automated score was calculated to assess if this variant is too frequent to cause the disease. Based on the score and internal cut-off values, a variant classified as benign is not then subjected to further curation. The score for this variant resulted in a classification of benign for this disease.

Ambry Genetics
Classification: Likely benign for Inborn genetic diseases. Last evaluated: 2016-05-18. Review status: criteria provided, single submitter. Criteria: Ambry Variant Classification Scheme 2023. Collection method: clinical testing. Allele origin: germline.

Eurofins Ntd Llc (ga)
Classification: Benign. Last evaluated: 2015-09-25. Review status: criteria provided, single submitter. Criteria: EGL Classification Definitions 2015. Collection method: clinical testing. Allele origin: germline. Observed: 1 variant allele, 1 heterozygote.

Natera, Inc.
Classification: Benign for Cohen syndrome. Last evaluated: 2019-12-06. Review status: no assertion criteria provided. Collection method: clinical testing. Allele origin: germline. Not counted in ClinVar's aggregate classification.

NM_152564.5(VPS13B):c.11181A>G (p.Arg3727=)

Gene: VPS13B (vacuolar protein sorting 13 homolog B; plus strand). Cytogenetic location: 8q22.2.
Variant type: single nucleotide variant.
Coding change: c.11181A>G on transcript NM_152564.5 (MANE Select); coding-DNA position 11181, A replaced by G.
Protein change: p.Arg3727=; no amino-acid change (arginine 3727 retained).
Molecular consequence: synonymous variant.
Genome position (GRCh38, 1-based): chr8:99,861,912, A>G. VCF-style: chr8-99861912-A-G. GRCh37 (hg19) VCF-style: chr8-100874140-A-G.
Other names: p.Arg3752=; c.11256A>G, p.Arg3752= (NM_017890.5).
Identifiers: ClinVar variation 283557 (VCV000283557.27), dbSNP rs138667007, ClinGen allele CA4825161.